The following is an entry in ClinVar:

NM_000554.6(CRX):c.709C>A (p.Leu237Ile)

Gene: CRX (cone-rod homeobox; plus strand). Cytogenetic location: 19q13.33.
Variant type: single nucleotide variant.
Coding change: c.709C>A on transcript NM_000554.6 (MANE Select); coding-DNA position 709, C replaced by A.
Protein change: p.Leu237Ile; replaces leucine 237 with isoleucine.
Molecular consequence: missense variant.
Genome position (GRCh38, 1-based): chr19:47,839,776, C>A. VCF-style: chr19-47839776-C-A. GRCh37 (hg19) VCF-style: chr19-48343033-C-A.
Other names: c.709C>A (NM_000554.5); short protein forms L237I.
Identifiers: ClinVar variation 2196747 (VCV002196747.5), dbSNP rs900654983, ClinGen allele CA406631633.

ClinVar aggregate classification (germline): Uncertain significance. Review status: criteria provided, multiple submitters, no conflicts (2 of 4 stars). 2 submissions from 2 submitters: Uncertain significance (2). Last evaluated 2025-04-15.

Conditions:
CRX-related disorder. Also called: CRX-related condition.
Cone-rod dystrophy 2 (CORD2). Also called: CONE-ROD RETINAL DYSTROPHY; Cone-rod retinal dystrophy 2. Identifiers: Orphanet 1872, MedGen C3489532, MONDO:0007362, OMIM 120970.
Leber congenital amaurosis 7 (LCA7). Identifiers: Orphanet 65, MedGen C3151192, MONDO:0013449, OMIM 613829.

gnomAD v4.1: 7 of 1,614,024 alleles (0.00043%); highest among the groups gnomAD compares: Admixed American, 0.005%; no homozygotes.

Submissions (2):

PreventionGenetics, part of Exact Sciences
Classification: Uncertain significance for CRX-related condition. Last evaluated: 2025-04-15. Review status: criteria provided, single submitter. Criteria: ACMG Guidelines, 2015. Collection method: clinical testing. Allele origin: germline.
Comment: The CRX c.709C>A variant is predicted to result in the amino acid substitution p.Leu237Ile. To our knowledge, this variant has not been reported in the literature. This variant is reported in 0.0056% of alleles in individuals of Latino descent in gnomAD. At this time, the clinical significance of this variant is uncertain due to the absence of conclusive functional and genetic evidence.

Labcorp Genetics (formerly Invitae), Labcorp
Classification: Uncertain significance for Cone-rod dystrophy 2; Leber congenital amaurosis 7. Last evaluated: 2024-02-23. Review status: criteria provided, single submitter. Criteria: Invitae Variant Classification Sherloc (09022015). Collection method: clinical testing. Allele origin: germline.
Comment: This sequence change replaces leucine, which is neutral and non-polar, with isoleucine, which is neutral and non-polar, at codon 237 of the CRX protein (p.Leu237Ile). This variant is present in population databases (no rsID available, gnomAD 0.006%). This variant has not been reported in the literature in individuals affected with CRX-related conditions. ClinVar contains an entry for this variant (Variation ID: 2196747). Advanced modeling of protein sequence and biophysical properties (such as structural, functional, and spatial information, amino acid conservation, physicochemical variation, residue mobility, and thermodynamic stability) performed at Invitae indicates that this missense variant is not expected to disrupt CRX protein function with a negative predictive value of 80%. In summary, the available evidence is currently insufficient to determine the role of this variant in disease. Therefore, it has been classified as a Variant of Uncertain Significance.